The following is an entry in ClinVar:

ClinVar aggregate classification (germline): Uncertain significance. Review status: criteria provided, multiple submitters, no conflicts (2 of 4 stars). 3 submissions from 3 submitters: Uncertain significance (3). Last evaluated 2025-11-01.

Allele frequency attached by ClinVar (database versions not stated): gnomAD exomes 0.00003 and 0.00002; ExAC 0.00004; gnomAD 0.00001; ESP Exome Variant Server 0.00008.
gnomAD v4.1: 37 of 1,613,840 alleles (0.0023%); highest among the groups gnomAD compares: Middle Eastern, 0.016%; no homozygotes.

Submissions (3):

Dasa
Classification: Uncertain significance. Last evaluated: 2025-11-01. Review status: criteria provided, single submitter. Criteria: DASA Assertion Criteria. Collection method: clinical testing. Allele origin: germline.
Comment: NM_001384732.1(CPLANE1):c.3872A>G (p.Tyr1291Cys) is a missense variant that results in the substitution of tyrosine with cysteine. This variant is rare in population databases. Computational prediction algorithms are consistent with a benign effect. The currently available literature and clinical evidence are not sufficient to establish a definitive association between this variant and the reported condition. Therefore, this variant is classified as a variant of uncertain significance.

Labcorp Genetics (formerly Invitae), Labcorp
Classification: Uncertain significance. Last evaluated: 2023-07-17. Review status: criteria provided, single submitter. Criteria: Invitae Variant Classification Sherloc (09022015). Collection method: clinical testing. Allele origin: germline.
Comment: This sequence change replaces tyrosine, which is neutral and polar, with cysteine, which is neutral and slightly polar, at codon 1291 of the CPLANE1 protein (p.Tyr1291Cys). This variant is present in population databases (rs372625524, gnomAD 0.004%). This variant has not been reported in the literature in individuals affected with CPLANE1-related conditions. ClinVar contains an entry for this variant (Variation ID: 1304441). Advanced modeling of protein sequence and biophysical properties (such as structural, functional, and spatial information, amino acid conservation, physicochemical variation, residue mobility, and thermodynamic stability) performed at Invitae indicates that this missense variant is not expected to disrupt CPLANE1 protein function. In summary, the available evidence is currently insufficient to determine the role of this variant in disease. Therefore, it has been classified as a Variant of Uncertain Significance.

GeneDx
Classification: Uncertain significance. Last evaluated: 2019-08-12. Review status: criteria provided, single submitter. Criteria: GeneDx Variant Classification Process June 2021. Collection method: clinical testing. Allele origin: germline. Affected: yes.
Comment: Not observed at a significant frequency in large population cohorts (Lek et al., 2016); In silico analysis, which includes protein predictors and evolutionary conservation, supports a deleterious effect; Has not been previously published as pathogenic or benign to our knowledge

NM_001384732.1(CPLANE1):c.3872A>G (p.Tyr1291Cys)

Gene: CPLANE1 (ciliogenesis and planar polarity effector complex subunit 1; minus strand). Cytogenetic location: 5p13.2.
Variant type: single nucleotide variant.
Coding change: c.3872A>G on transcript NM_001384732.1 (MANE Select); coding-DNA position 3872, A replaced by G.
Protein change: p.Tyr1291Cys; replaces tyrosine 1291 with cysteine.
Molecular consequence: missense variant.
Genome position (GRCh38, 1-based): chr5:37,187,782, T>C on the plus strand (A>G on the coding strand, the complement: CPLANE1 is on the minus strand). VCF-style: chr5-37187782-T-C. GRCh37 (hg19) VCF-style: chr5-37187884-T-C.
Other names: c.3872A>G, p.Tyr1291Cys (NM_023073.4); short protein forms Y1291C.
Identifiers: ClinVar variation 1304441 (VCV001304441.6), dbSNP rs372625524, ClinGen allele CA3238841.